The following is an entry in ClinVar:

NM_000214.3(JAG1):c.64T>G (p.Cys22Gly)

Gene: JAG1 (jagged canonical Notch ligand 1; minus strand). Cytogenetic location: 20p12.2.
Variant type: single nucleotide variant.
Coding change: c.64T>G on transcript NM_000214.3 (MANE Select); coding-DNA position 64, T replaced by G.
Protein change: p.Cys22Gly; replaces cysteine 22 with glycine.
Molecular consequence: missense variant.
Genome position (GRCh38, 1-based): chr20:10,673,467, A>C on the plus strand (T>G on the coding strand, the complement: JAG1 is on the minus strand). VCF-style: chr20-10673467-A-C. GRCh37 (hg19) VCF-style: chr20-10654115-A-C.
Other names: short protein forms C22G.
Identifiers: ClinVar variation 3573215 (VCV003573215.2).

Conditions:
Arteriohepatic dysplasia. Also called: Alagille Syndrome. Identifiers: Orphanet 52, MedGen C0085280, MeSH D016738, MONDO:0007318.

Submission:

Gilbert/Spinner Lab, Children's Hospital of Philadelphia
No classification provided (evidence only). Condition: Alagille syndrome. Review status: no classification provided. Collection method: research. Allele origin: not applicable. Functional consequence: functionally_abnormal.
ClinVar note: "not provided" was previously submitted as the classification for the variant. However, the classification appeared to be based only on an observation of functional data so it was converted to no classification on 2025-07-30.